The following is an entry in ClinVar:

ClinVar aggregate classification (germline): Uncertain significance (1 of 4 stars; one submission).

gnomAD v4.1: 2 of 1,613,620 alleles (0.00012%); highest among the groups gnomAD compares: Non-Finnish European, 0.00017%; no homozygotes.

Submission:

GeneDx
Classification: Uncertain significance. Last evaluated: 2023-07-14. Review status: criteria provided, single submitter. Criteria: GeneDx Variant Classification Process June 2021. Collection method: clinical testing. Allele origin: germline. Affected: yes.
Comment: Not observed at significant frequency in large population cohorts (gnomAD); In silico analysis supports that this missense variant has a deleterious effect on protein structure/function; Has not been previously published as pathogenic or benign to our knowledge

NM_001375524.1(TRRAP):c.2176G>C (p.Ala726Pro)

Gene: TRRAP (transformation/transcription domain associated protein; plus strand). Cytogenetic location: 7q22.1.
Variant type: single nucleotide variant.
Coding change: c.2176G>C on transcript NM_001375524.1 (MANE Select); coding-DNA position 2176, G replaced by C.
Protein change: p.Ala726Pro; replaces alanine 726 with proline.
Molecular consequence: missense variant.
Genome position (GRCh38, 1-based): chr7:98,912,190, G>C. VCF-style: chr7-98912190-G-C. GRCh37 (hg19) VCF-style: chr7-98509813-G-C.
Other names: c.2176G>C, p.Ala726Pro (NM_001244580.2, NM_003496.4); short protein forms A726P.
Identifiers: ClinVar variation 3361116 (VCV003361116.1).